The following is an entry in ClinVar:

ClinVar aggregate classification (germline): Uncertain significance (1 of 4 stars; one submission).

Allele frequency attached by ClinVar (database versions not stated): gnomAD exomes below 0.00001; gnomAD 0.00001.
gnomAD v4.1: 2 of 1,612,856 alleles (0.00012%); highest among the groups gnomAD compares: Admixed American, 0.0017%; no homozygotes.

Submission:

Labcorp Genetics (formerly Invitae), Labcorp
Classification: Uncertain significance. Last evaluated: 2024-05-06. Review status: criteria provided, single submitter. Criteria: Invitae Variant Classification Sherloc (09022015). Collection method: clinical testing. Allele origin: germline.
Comment: This sequence change replaces serine, which is neutral and polar, with glycine, which is neutral and non-polar, at codon 676 of the SULF1 protein (p.Ser676Gly). This variant is not present in population databases (gnomAD no frequency). This variant has not been reported in the literature in individuals affected with SULF1-related conditions. ClinVar contains an entry for this variant (Variation ID: 1960876). Algorithms developed to predict the effect of missense changes on protein structure and function output the following: SIFT: "Not Available"; PolyPhen-2: "Benign"; Align-GVGD: "Not Available". The glycine amino acid residue is found in multiple mammalian species, which suggests that this missense change does not adversely affect protein function. In summary, the available evidence is currently insufficient to determine the role of this variant in disease. Therefore, it has been classified as a Variant of Uncertain Significance.

NM_001128205.2(SULF1):c.2026A>G (p.Ser676Gly)

Gene: SULF1 (sulfatase 1; plus strand). Cytogenetic location: 8q13.3.
Variant type: single nucleotide variant.
Coding change: c.2026A>G on transcript NM_001128205.2 (MANE Select); coding-DNA position 2026, A replaced by G.
Protein change: p.Ser676Gly; replaces serine 676 with glycine.
Molecular consequence: missense variant. On other transcripts: non-coding transcript variant (3).
Genome position (GRCh38, 1-based): chr8:69,627,850, A>G. VCF-style: chr8-69627850-A-G. GRCh37 (hg19) VCF-style: chr8-70540085-A-G.
Other names: c.2026A>G, p.Ser676Gly (NM_001128204.2, NM_001128206.2, NM_001412828.1 and 10 more transcripts); c.1897A>G, p.Ser633Gly (NM_001412832.1, NM_001412838.1, NM_001412839.1 and 1 more transcripts); c.1969A>G, p.Ser657Gly (NM_001412836.1, NM_001412837.1); c.1840A>G, p.Ser614Gly (NM_001412841.1, NM_001412842.1); c.1426A>G, p.Ser476Gly (NM_001412844.1, NM_001412845.1); c.235A>G, p.Ser79Gly (NM_001412846.1); short protein forms S633G, S614G, S657G, S676G, S79G, S476G.
Identifiers: ClinVar variation 1960876 (VCV001960876.5), dbSNP rs1376824401, ClinGen allele CA371230471.